The following is an entry in ClinVar:

NM_004247.4(EFTUD2):c.2607C>T (p.Tyr869=)

Gene: EFTUD2 (elongation factor Tu GTP binding domain containing 2; minus strand). Cytogenetic location: 17q21.31.
Variant type: single nucleotide variant.
Coding change: c.2607C>T on transcript NM_004247.4 (MANE Select); coding-DNA position 2607, C replaced by T.
Protein change: p.Tyr869=; no amino-acid change (tyrosine 869 retained).
Molecular consequence: synonymous variant.
Genome position (GRCh38, 1-based): chr17:44,852,517, G>A on the plus strand (C>T on the coding strand, the complement: EFTUD2 is on the minus strand). VCF-style: chr17-44852517-G-A. GRCh37 (hg19) VCF-style: chr17-42929885-G-A.
Other names: c.2502C>T, p.Tyr834= (NM_001142605.2); c.2607C>T, p.Tyr869= (NM_001258353.2); c.2577C>T, p.Tyr859= (NM_001258354.2).
Identifiers: ClinVar variation 746135 (VCV000746135.36), dbSNP rs144166621, ClinGen allele CA8607438.

ClinVar aggregate classification (germline): Likely benign. Review status: criteria provided, multiple submitters, no conflicts (2 of 4 stars). 5 submissions from 5 submitters: Likely benign (4). 1 of the submissions does not count toward it. Last evaluated 2025-09-15.

Conditions:
EFTUD2-related disorder. Also called: EFTUD2-related condition.

Allele frequency attached by ClinVar (database versions not stated): TOPMed 0.00009; gnomAD 0.00011; gnomAD exomes 0.00011 and 0.00037; ExAC 0.00013; ESP Exome Variant Server 0.00038.
gnomAD v4.1: 542 of 1,614,052 alleles (0.034%); highest among the groups gnomAD compares: Non-Finnish European, 0.045%; no homozygotes.

Submissions (5):

Labcorp Genetics (formerly Invitae), Labcorp
Classification: Likely benign. Last evaluated: 2025-09-15. Review status: criteria provided, single submitter. Criteria: Invitae Variant Classification Sherloc (09022015). Collection method: clinical testing. Allele origin: germline.

Blueprint Genetics
Classification: Likely benign. Last evaluated: 2024-11-06. Review status: criteria provided, single submitter. Criteria: ACMG Guidelines, 2015. Collection method: clinical testing. Allele origin: germline.

CeGaT Center for Human Genetics Tuebingen
Classification: Likely benign. Last evaluated: 2023-02-01. Review status: criteria provided, single submitter. Criteria: CeGaT Center For Human Genetics Tuebingen Variant Classification Criteria Version 2. Collection method: clinical testing. Allele origin: germline. Affected: yes. Observed: 2 variant alleles.
Comment: EFTUD2: BP4, BP7

GeneDx
Classification: Likely benign. Last evaluated: 2021-06-06. Review status: criteria provided, single submitter. Criteria: GeneDx Variant Classification Process June 2021. Collection method: clinical testing. Allele origin: germline. Affected: yes.

PreventionGenetics, part of Exact Sciences
Classification: Likely benign for EFTUD2-related condition. Last evaluated: 2020-01-31. Review status: no assertion criteria provided. Collection method: clinical testing. Allele origin: germline. Not counted in ClinVar's aggregate classification.
Comment: This variant is classified as likely benign based on ACMG/AMP sequence variant interpretation guidelines (Richards et al. 2015 PMID: 25741868, with internal and published modifications).